The following is an entry in ClinVar:

NM_001620.3(AHNAK):c.5859T>C (p.Gly1953=)

Gene: AHNAK (AHNAK nucleoprotein; minus strand). Cytogenetic location: 11q12.3.
Variant type: single nucleotide variant.
Coding change: c.5859T>C on transcript NM_001620.3 (MANE Select); coding-DNA position 5859, T replaced by C.
Protein change: p.Gly1953=; no amino-acid change (glycine 1953 retained).
Molecular consequence: synonymous variant. On other transcripts: intron variant (1).
Genome position (GRCh38, 1-based): chr11:62,528,558, A>G on the plus strand (T>C on the coding strand, the complement: AHNAK is on the minus strand). VCF-style: chr11-62528558-A-G. GRCh37 (hg19) VCF-style: chr11-62296030-A-G.
Other names: c.5859T>C, p.Gly1953= (NM_001346445.2, NM_001346446.2); c.342+6445T>C (NM_024060.4).
Identifiers: ClinVar variation 3898306 (VCV003898306.7).
Genomic context (GRCh38, chr11:62,528,558, plus strand): 5'-TTTCAACTTTGCATCAGGACACTCCAGCTCAACATCAGGCACCTCCACACCCACACTGGG[A>G]CCTGTTAAATCTCCCTCCAATTTTGGCACCGACACATCCACATCCCCTTTGACTTTGGGG-3'
Protein context (NP_001611.1, residues 1943-1963): SVPKLEGDLT[Gly1953=]PSVGVEVPDV

ClinVar aggregate classification (germline): Likely benign (1 of 4 stars; one submission).

Submission:

CeGaT Center for Human Genetics Tuebingen
Classification: Likely benign. Last evaluated: 2025-04-01. Review status: criteria provided, single submitter. Criteria: CeGaT Center For Human Genetics Tuebingen Variant Classification Criteria Version 2. Collection method: clinical testing. Allele origin: germline. Affected: yes. Observed: 1 variant allele.
Comment: AHNAK: BP4, BP7